The following is an entry in ClinVar:

NM_001143809.2(BDNF):c.39G>A (p.Lys13=)

Gene: BDNF (brain derived neurotrophic factor; minus strand). Cytogenetic location: 11p14.1.
Variant type: single nucleotide variant.
Coding change: c.39G>A on transcript NM_001143809.2; coding-DNA position 39, G replaced by A.
Protein change: p.Lys13=; no amino-acid change (lysine 13 retained).
Molecular consequence: synonymous variant. On other transcripts: 5 prime UTR variant (3), intron variant (6).
Genome position (GRCh38, 1-based): chr11:27,700,998, C>T on the plus strand (G>A on the coding strand, the complement: BDNF is on the minus strand). VCF-style: chr11-27700998-C-T. GRCh37 (hg19) VCF-style: chr11-27722545-C-T.
Other names: c.-39G>A (NM_001143808.2); c.-86G>A (NM_001143810.2); c.-449G>A (NM_001143811.2); c.3+20414G>A (NM_170731.5); c.-22+19646G>A (NM_001143805.1); c.-22+19431G>A (NM_001143806.1); c.-22+19348G>A (NM_170732.4); c.-22+18513G>A (NM_001143807.2); and 1 more.
Identifiers: ClinVar variation 3350692 (VCV003350692.1).

ClinVar aggregate classification (germline): Likely benign (0 of 4 stars; one submission).

Conditions:
BDNF-related disorder. Also called: BDNF-related condition.

gnomAD v4.1: 69 of 1,361,692 alleles (0.0051%); highest among the groups gnomAD compares: Non-Finnish European, 0.0067%; no homozygotes.

Submission:

PreventionGenetics, part of Exact Sciences
Classification: Likely benign for BDNF-related condition. Last evaluated: 2023-11-29. Review status: no assertion criteria provided. Collection method: clinical testing. Allele origin: germline.
Comment: This variant is classified as likely benign based on ACMG/AMP sequence variant interpretation guidelines (Richards et al. 2015 PMID: 25741868, with internal and published modifications).